The following is an entry in ClinVar:

NM_001136191.3(KANK2):c.2023G>A (p.Val675Met)

Gene: KANK2 (KN motif and ankyrin repeat domains 2; minus strand). Cytogenetic location: 19p13.2.
Variant type: single nucleotide variant.
Coding change: c.2023G>A on transcript NM_001136191.3 (MANE Select); coding-DNA position 2023, G replaced by A.
Protein change: p.Val675Met; replaces valine 675 with methionine.
Molecular consequence: missense variant.
Genome position (GRCh38, 1-based): chr19:11,174,518, C>T on the plus strand (G>A on the coding strand, the complement: KANK2 is on the minus strand). VCF-style: chr19-11174518-C-T. GRCh37 (hg19) VCF-style: chr19-11285194-C-T.
Other names: c.2023G>A, p.Val675Met (NM_001329451.2, NM_001379555.1, NM_001379556.1 and 7 more transcripts); c.2047G>A, p.Val683Met (NM_001379548.1, NM_001379549.1, NM_001379550.1 and 5 more transcripts); short protein forms V683M, V675M.
Identifiers: ClinVar variation 2208240 (VCV002208240.6), dbSNP rs149821111, ClinGen allele CA9205425.

ClinVar aggregate classification (germline): Uncertain significance. Review status: criteria provided, multiple submitters, no conflicts (2 of 4 stars). 2 submissions from 2 submitters: Uncertain significance (2). Last evaluated 2025-03-31.

Allele frequency attached by ClinVar (database versions not stated): ExAC 0.00004; ESP Exome Variant Server 0.00015; gnomAD 0.00001; TOPMed 0.00003.
gnomAD v4.1: 17 of 1,613,348 alleles (0.0011%); highest among the groups gnomAD compares: East Asian, 0.0067%; no homozygotes.

Submissions (2):

Labcorp Genetics (formerly Invitae), Labcorp
Classification: Uncertain significance. Last evaluated: 2025-03-31. Review status: criteria provided, single submitter. Criteria: Invitae Variant Classification Sherloc (09022015). Collection method: clinical testing. Allele origin: germline.
Comment: This sequence change replaces valine, which is neutral and non-polar, with methionine, which is neutral and non-polar, at codon 675 of the KANK2 protein (p.Val675Met). This variant is present in population databases (rs149821111, gnomAD 0.01%). This variant has not been reported in the literature in individuals affected with KANK2-related conditions. ClinVar contains an entry for this variant (Variation ID: 2208240). An algorithm developed to predict the effect of missense changes on protein structure and function (PolyPhen-2) suggests that this variant is likely to be disruptive. In summary, the available evidence is currently insufficient to determine the role of this variant in disease. Therefore, it has been classified as a Variant of Uncertain Significance.

Ambry Genetics
Classification: Uncertain significance. Last evaluated: 2024-11-20. Review status: criteria provided, single submitter. Criteria: Ambry Variant Classification Scheme 2023. Collection method: clinical testing. Allele origin: germline.